The following is an entry in ClinVar:

NM_001037160.3(CYS1):c.318+5G>A

Gene: CYS1 (cystin 1; minus strand). Cytogenetic location: 2p25.1.
Variant type: single nucleotide variant.
Coding change: c.318+5G>A on transcript NM_001037160.3 (MANE Select); 5 bases into the intron after coding-DNA position 318, G replaced by A.
Molecular consequence: intron variant.
Genome position (GRCh38, 1-based): chr2:10,079,901, C>T on the plus strand (G>A on the coding strand, the complement: CYS1 is on the minus strand). VCF-style: chr2-10079901-C-T. GRCh37 (hg19) VCF-style: chr2-10220028-C-T.
Identifiers: ClinVar variation 1693276 (VCV001693276.3), dbSNP rs1201981092, ClinGen allele CA754159877.

ClinVar aggregate classification (germline): Pathogenic (1 of 4 stars; one submission).

Conditions:
Autosomal recessive polycystic kidney disease (ARPKD). Also called: AR polycystic kidney disease. Identifiers: Orphanet 731, Orphanet 8378, MedGen C0085548, MeSH D017044, MONDO:0009889.

Allele frequency attached by ClinVar (database versions not stated): gnomAD exomes below 0.00001; TOPMed below 0.00001.

Submission:

Savige Laboratory, The University of Melbourne
Classification: Pathogenic for AR polycystic kidney disease. Last evaluated: 2022-04-27. Review status: criteria provided, single submitter. Criteria: ACMG Guidelines, 2015. Collection method: curation. Allele origin: germline. Inheritance: Autosomal recessive inheritance. Affected: yes. Observed: 1 homozygote.
Comment: Variant demonstrated by WES, homozygosity mapping and trio genomic sequencing. Likely Pathogenic (PM2,PM3), not found in gnomAD and CADD score of 17. HSF splice site prediciton score 13.17;MaxEntscan62.8%; NNSplice site variant prediction score of 71.3%. Confirmed effect on splicing in Minigene assay. No other causative variants in 100 other cystic kidney disease gene including PKHD1 and DZIP1L.

Literature cited by the submitters: PubMed 34521872.